The following is an entry in ClinVar:

NM_000719.7(CACNA1C):c.1118A>G (p.Asn373Ser)

Gene: CACNA1C (calcium voltage-gated channel subunit alpha1 C; plus strand). Cytogenetic location: 12p13.33.
Variant type: single nucleotide variant.
Coding change: c.1118A>G on transcript NM_000719.7 (MANE Select); coding-DNA position 1118, A replaced by G.
Protein change: p.Asn373Ser; replaces asparagine 373 with serine.
Molecular consequence: missense variant. On other transcripts: intron variant (4).
Genome position (GRCh38, 1-based): chr12:2,504,846, A>G. VCF-style: chr12-2504846-A-G. GRCh37 (hg19) VCF-style: chr12-2614012-A-G.
Other names: c.1118A>G, p.Asn373Ser (NM_001129827.2, NM_001129829.2, NM_001129830.3 and 14 more transcripts); c.1109A>G, p.Asn370Ser (NM_001129844.2); c.1217+307A>G (NM_001167624.3, NM_001167623.2, NM_001167625.2 and 1 more transcripts); short protein forms N370S, N373S.
Identifiers: ClinVar variation 1712546 (VCV001712546.2), dbSNP rs2505881841, ClinGen allele CA383370815.

ClinVar aggregate classification (germline): Uncertain significance (1 of 4 stars; one submission).

Allele frequency attached by ClinVar (database versions not stated): gnomAD exomes below 0.00001.
gnomAD v4.1: 1 of 1,566,136 alleles (0.000064%); highest among the groups gnomAD compares: Non-Finnish European, 0.000088%; no homozygotes.

Submission:

GeneDx
Classification: Uncertain significance. Last evaluated: 2022-04-25. Review status: criteria provided, single submitter. Criteria: GeneDx Variant Classification Process June 2021. Collection method: clinical testing. Allele origin: germline. Affected: yes.
Comment: De novo variant with confirmed parentage; however, the reported clinical features are only partially consistent with the features typically observed in individuals with pathogenic variants in this gene; Not observed at significant frequency in large population cohorts (gnomAD); In silico analysis supports that this missense variant has a deleterious effect on protein structure/function; Has not been previously published as pathogenic or benign to our knowledge